The following is an entry in ClinVar:

ClinVar aggregate classification (germline): Uncertain significance. Review status: criteria provided, multiple submitters, no conflicts (2 of 4 stars). 2 submissions from 2 submitters: Uncertain significance (2). Last evaluated 2024-06-13.

Conditions:
Intellectual developmental disorder, autosomal dominant 6, with or without seizures. Also called: Intellectual disability, autosomal dominant 6; GRIN2B-related developmental delay, intellectual disability and autism spectrum disorder. Identifiers: Orphanet 589547, MedGen C3151411, MONDO:0013509, OMIM 613970.
Developmental and epileptic encephalopathy, 27 (DEE27). Also called: GRIN2B-Related Neurodevelopmental Disorder; Epileptic encephalopathy, early infantile, 27. Identifiers: Orphanet 3451, MedGen C4015316, MONDO:0014505, OMIM 616139.

Allele frequency attached by ClinVar (database versions not stated): gnomAD exomes below 0.00001; TOPMed below 0.00001; ExAC 0.00002; ESP Exome Variant Server 0.00008; 1000 Genomes Project 30x 0.00016.
gnomAD v4.1: 4 of 1,614,188 alleles (0.00025%); highest among the groups gnomAD compares: African/African-American, 0.004%; no homozygotes.

Submissions (2):

GeneDx
Classification: Uncertain significance. Last evaluated: 2024-06-13. Review status: criteria provided, single submitter. Criteria: GeneDx Variant Classification Process June 2021. Collection method: clinical testing. Allele origin: germline. Affected: yes.
Comment: In silico analysis supports that this missense variant has a deleterious effect on protein structure/function; Has not been previously published as pathogenic or benign to our knowledge

Labcorp Genetics (formerly Invitae), Labcorp
Classification: Uncertain significance for Developmental and epileptic encephalopathy, 27; Intellectual developmental disorder, autosomal dominant 6, with or without seizures. Last evaluated: 2023-08-30. Review status: criteria provided, single submitter. Criteria: Invitae Variant Classification Sherloc (09022015). Collection method: clinical testing. Allele origin: germline.
Comment: ClinVar contains an entry for this variant (Variation ID: 847540). In summary, the available evidence is currently insufficient to determine the role of this variant in disease. Therefore, it has been classified as a Variant of Uncertain Significance. Advanced modeling of protein sequence and biophysical properties (such as structural, functional, and spatial information, amino acid conservation, physicochemical variation, residue mobility, and thermodynamic stability) performed at Invitae indicates that this missense variant is not expected to disrupt GRIN2B protein function. This variant has not been reported in the literature in individuals affected with GRIN2B-related conditions. This variant is present in population databases (rs199677214, gnomAD 0.007%). This sequence change replaces arginine, which is basic and polar, with glutamine, which is neutral and polar, at codon 927 of the GRIN2B protein (p.Arg927Gln).

NM_000834.5(GRIN2B):c.2780G>A (p.Arg927Gln)

Gene: GRIN2B (glutamate ionotropic receptor NMDA type subunit 2B; minus strand). Cytogenetic location: 12p13.1.
Variant type: single nucleotide variant.
Coding change: c.2780G>A on transcript NM_000834.5 (MANE Select); coding-DNA position 2780, G replaced by A.
Protein change: p.Arg927Gln; replaces arginine 927 with glutamine.
Molecular consequence: missense variant.
Genome position (GRCh38, 1-based): chr12:13,564,458, C>T on the plus strand (G>A on the coding strand, the complement: GRIN2B is on the minus strand). VCF-style: chr12-13564458-C-T. GRCh37 (hg19) VCF-style: chr12-13717392-C-T.
Other names: short protein forms R927Q.
Identifiers: ClinVar variation 847540 (VCV000847540.9), dbSNP rs199677214, ClinGen allele CA6460982.